The following is an entry in ClinVar:

ClinVar aggregate classification (germline): Uncertain significance (1 of 4 stars; one submission).

Conditions:
Familial cancer of breast. Also called: hereditary breast carcinoma; Hereditary breast cancer; BREAST CANCER, FAMILIAL. Identifiers: Orphanet 227535, MedGen C0346153, MONDO:0016419, OMIM 114480. Disease mechanism: loss of function.

Submission:

Labcorp Genetics (formerly Invitae), Labcorp
Classification: Uncertain significance for Familial cancer of breast. Last evaluated: 2021-02-22. Review status: criteria provided, single submitter. Criteria: Invitae Variant Classification Sherloc (09022015). Collection method: clinical testing. Allele origin: germline.
Comment: Experimental studies and prediction algorithms are not available or were not evaluated, and the functional significance of this variant is currently unknown. This variant has not been reported in the literature in individuals with CHEK2-related conditions. This variant is not present in population databases (ExAC no frequency). In summary, the available evidence is currently insufficient to determine the role of this variant in disease. Therefore, it has been classified as a Variant of Uncertain Significance. This variant, c.804_818del, results in the deletion of 5 amino acid(s) of the CHEK2 protein (p.Asn269_Glu273del), but otherwise preserves the integrity of the reading frame.

NM_007194.4(CHEK2):c.804_818del (p.Asn269_Glu273del)

Gene: CHEK2 (checkpoint kinase 2; minus strand). Cytogenetic location: 22q12.1.
Variant type: Deletion.
Coding change: c.804_818del on transcript NM_007194.4 (MANE Select); coding-DNA positions 804 to 818, 15 bases deleted (CAATGTTGAAACAGA).
Protein change: p.Asn269_Glu273del.
Molecular consequence: inframe deletion. On other transcripts: inframe indel (4).
Genome position (GRCh38, 1-based): chr22:28,710,034-28,710,048, TCTGTTTCAACATTG deleted on the plus strand (CAATGTTGAAACAGA on the coding strand, the reverse complement: CHEK2 is on the minus strand). VCF-style (leftmost placement, unchanged base first): chr22-28710033-TTCTGTTTCAACATTG-T. GRCh37 (hg19) VCF-style: chr22-29106021-TTCTGTTTCAACATTG-T.
Other names: c.933_947delCAATGTTGAAACAGA, p.Asn312_Glu316del (NM_001005735.3); c.141_155delCAATGTTGAAACAGA, p.Asn48_Glu52del (NM_001257387.3); c.603_617delCAATGTTGAAACAGA, p.Asn202_Glu206del (NM_001349956.3); c.804_818delCAATGTTGAAACAGA, p.Asn269_Glu273del (NM_145862.3).
Identifiers: ClinVar variation 1504195 (VCV001504195.9), dbSNP rs2145933418, ClinGen allele CA2573157949.